The following is an entry in ClinVar:

ClinVar aggregate classification (germline): Likely pathogenic (1 of 4 stars; one submission).

Submission:

Labcorp Genetics (formerly Invitae), Labcorp
Classification: Likely pathogenic. Last evaluated: 2023-01-22. Review status: criteria provided, single submitter. Criteria: Invitae Variant Classification Sherloc (09022015). Collection method: clinical testing. Allele origin: germline.
Comment: This variant is not present in population databases (gnomAD no frequency). This sequence change affects a donor splice site in intron 5 of the AGXT gene. It is expected to disrupt RNA splicing. Variants that disrupt the donor or acceptor splice site typically lead to a loss of protein function (PMID: 16199547), and loss-of-function variants in AGXT are known to be pathogenic (PMID: 19479957). Disruption of this splice site has been observed in individual(s) with primary hyperoxaluria (PMID: 25644115). In summary, the currently available evidence indicates that the variant is pathogenic, but additional data are needed to prove that conclusively. Therefore, this variant has been classified as Likely Pathogenic. Algorithms developed to predict the effect of sequence changes on RNA splicing suggest that this variant may disrupt the consensus splice site.

Literature cited by the submitters: PubMed 16199547; PubMed 19479957; PubMed 25644115.

NM_000030.3(AGXT):c.595+2T>A

Gene: AGXT (alanine--glyoxylate aminotransferase; plus strand). Cytogenetic location: 2q37.3.
Variant type: single nucleotide variant.
Coding change: c.595+2T>A on transcript NM_000030.3 (MANE Select); the canonical splice donor site of the intron after coding-DNA position 595, T replaced by A.
Molecular consequence: splice donor variant.
Genome position (GRCh38, 1-based): chr2:240,873,051, T>A. VCF-style: chr2-240873051-T-A. GRCh37 (hg19) VCF-style: chr2-241812468-T-A.
Identifiers: ClinVar variation 2830948 (VCV002830948.3), dbSNP rs113852309, ClinGen allele CA351316635.